The following is an entry in ClinVar:

ClinVar aggregate classification (germline): Uncertain significance (1 of 4 stars; one submission).

Submission:

Ambry Genetics
Classification: Uncertain significance. Last evaluated: 2025-05-31. Review status: criteria provided, single submitter. Criteria: Ambry Variant Classification Scheme 2023. Collection method: clinical testing. Allele origin: germline.
Comment: The p.S434T variant (also known as c.1300T>A), located in coding exon 2 of the CDK12 gene, results from a T to A substitution at nucleotide position 1300. The serine at codon 434 is replaced by threonine, an amino acid with similar properties. This amino acid position is conserved. In addition, this alteration is predicted to be tolerated by in silico analysis. Based on the available evidence, the clinical significance of this variant remains unclear.

NM_016507.4(CDK12):c.1300T>A (p.Ser434Thr)

Gene: CDK12 (cyclin dependent kinase 12; plus strand). Cytogenetic location: 17q12.
Variant type: single nucleotide variant.
Coding change: c.1300T>A on transcript NM_016507.4 (MANE Select); coding-DNA position 1300, T replaced by A.
Protein change: p.Ser434Thr; replaces serine 434 with threonine.
Molecular consequence: missense variant.
Genome position (GRCh38, 1-based): chr17:39,471,132, T>A. VCF-style: chr17-39471132-T-A. GRCh37 (hg19) VCF-style: chr17-37627385-T-A.
Other names: c.1300T>A, p.Ser434Thr (NM_015083.4); short protein forms S434T.
Identifiers: ClinVar variation 3999515 (VCV003999515.1).